The following is an entry in ClinVar:

NM_000368.5(TSC1):c.1528G>A (p.Asp510Asn)

Gene: TSC1 (TSC complex subunit 1; minus strand). Cytogenetic location: 9q34.13.
Variant type: single nucleotide variant.
Coding change: c.1528G>A on transcript NM_000368.5 (MANE Select); coding-DNA position 1528, G replaced by A.
Protein change: p.Asp510Asn; replaces aspartic acid 510 with asparagine.
Molecular consequence: missense variant.
Genome position (GRCh38, 1-based): chr9:132,906,050, C>T on the plus strand (G>A on the coding strand, the complement: TSC1 is on the minus strand). VCF-style: chr9-132906050-C-T. GRCh37 (hg19) VCF-style: chr9-135781437-C-T.
Other names: c.1525G>A, p.Asp509Asn (NM_001162426.2); c.1375G>A, p.Asp459Asn (NM_001162427.2); c.1165G>A, p.Asp389Asn (NM_001362177.2); short protein forms D510N, D459N, D389N, D509N.
Identifiers: ClinVar variation 411220 (VCV000411220.15), dbSNP rs779206386, ClinGen allele CA028963.

ClinVar aggregate classification (germline): Benign/Likely benign. Review status: criteria provided, multiple submitters, no conflicts (2 of 4 stars). 3 submissions from 3 submitters: Benign (1); Likely benign (2). Last evaluated 2026-01-31.

Conditions:
Hereditary cancer-predisposing syndrome. Also called: Hereditary neoplastic syndrome; Neoplastic Syndromes, Hereditary; Tumor predisposition; Hereditary Cancer Syndrome. Identifiers: Orphanet 140162, MedGen C0027672, MeSH D009386, MONDO:0015356.
Tuberous sclerosis 1 (TSC1). Identifiers: Orphanet 805, MedGen C1854465, MONDO:0008612, OMIM 191100.

Allele frequency attached by ClinVar (database versions not stated): gnomAD exomes below 0.00001 and 0.00002; ExAC 0.00001; TOPMed 0.00001.
gnomAD v4.1: 2 of 1,614,102 alleles (0.00012%); highest among the groups gnomAD compares: East Asian, 0.0045%; no homozygotes.

Submissions (3):

Labcorp Genetics (formerly Invitae), Labcorp
Classification: Benign for Tuberous sclerosis 1. Last evaluated: 2026-01-31. Review status: criteria provided, single submitter. Criteria: Invitae Variant Classification Sherloc (09022015). Collection method: clinical testing. Allele origin: germline.

Myriad Genetics, Inc.
Classification: Likely benign for Tuberous sclerosis 1. Last evaluated: 2024-08-08. Review status: criteria provided, single submitter. Criteria: Myriad Autosomal Dominant, Autosomal Recessive and X-Linked Classification Criteria (2023). Collection method: clinical testing. Allele origin: unknown.
Comment: This variant is considered likely benign. This variant has been observed at a population frequency that is significantly greater than expected given the associated disease prevalence and penetrance.

Ambry Genetics
Classification: Likely benign for Hereditary cancer-predisposing syndrome. Last evaluated: 2022-12-15. Review status: criteria provided, single submitter. Criteria: Ambry Variant Classification Scheme 2023. Collection method: clinical testing. Allele origin: germline.